The following is an entry in ClinVar:

NM_000350.3(ABCA4):c.436del (p.Ile146fs)

Gene: ABCA4 (ATP binding cassette subfamily A member 4; minus strand). Cytogenetic location: 1p22.1.
Variant type: Deletion.
Coding change: c.436del on transcript NM_000350.3 (MANE Select); coding-DNA position 436, one base deleted (A; older notation c.436delA).
Protein change: p.Ile146fs; shifts the reading frame from isoleucine 146.
Molecular consequence: frameshift variant.
Genome position (GRCh38, 1-based): chr1:94,108,583, T deleted on the plus strand (A on the coding strand, the reverse complement: ABCA4 is on the minus strand); the first of 2 consecutive T bases (chr1:94,108,583-94,108,584); deleting either gives the same sequence. VCF-style (leftmost placement, unchanged base first): chr1-94108582-AT-A. GRCh37 (hg19) VCF-style: chr1-94574138-AT-A.
Other names: c.435delA, p.Ile146Leufs (NM_001425324.1); short protein forms I146fs.
Identifiers: ClinVar variation 1376451 (VCV001376451.6), dbSNP rs2101155690, ClinGen allele CA2573132719.

ClinVar aggregate classification (germline): Pathogenic (1 of 4 stars; one submission).

Submission:

Labcorp Genetics (formerly Invitae), Labcorp
Classification: Pathogenic. Last evaluated: 2024-01-09. Review status: criteria provided, single submitter. Criteria: Invitae Variant Classification Sherloc (09022015). Collection method: clinical testing. Allele origin: germline.
Comment: This sequence change creates a premature translational stop signal (p.Ile146Leufs*8) in the ABCA4 gene. It is expected to result in an absent or disrupted protein product. Loss-of-function variants in ABCA4 are known to be pathogenic (PMID: 10958761, 24938718, 25312043, 26780318). This variant is not present in population databases (gnomAD no frequency). This variant has not been reported in the literature in individuals affected with ABCA4-related conditions. ClinVar contains an entry for this variant (Variation ID: 1376451). For these reasons, this variant has been classified as Pathogenic.

Literature cited by the submitters: PubMed 10958761; PubMed 24938718; PubMed 25312043; PubMed 26780318.